The following is an entry in ClinVar:

NM_001204.7(BMPR2):c.2197T>A (p.Leu733Met)

Gene: BMPR2 (bone morphogenetic protein receptor type 2; plus strand). Cytogenetic location: 2q33.2.
Variant type: single nucleotide variant.
Coding change: c.2197T>A on transcript NM_001204.7 (MANE Select); coding-DNA position 2197, T replaced by A.
Protein change: p.Leu733Met; replaces leucine 733 with methionine.
Molecular consequence: missense variant.
Genome position (GRCh38, 1-based): chr2:202,555,862, T>A. VCF-style: chr2-202555862-T-A. GRCh37 (hg19) VCF-style: chr2-203420585-T-A.
Other names: short protein forms L733M.
Identifiers: ClinVar variation 3824827 (VCV003824827.1).

ClinVar aggregate classification (germline): Uncertain significance (1 of 4 stars; one submission).

Conditions:
Inborn genetic diseases. Identifiers: MedGen C0950123, MeSH D030342.

gnomAD v4.1: 7 of 1,614,174 alleles (0.00043%); highest among the groups gnomAD compares: Non-Finnish European, 0.00059%; no homozygotes.

Submission:

Ambry Genetics
Classification: Uncertain significance for Inborn genetic diseases. Last evaluated: 2025-01-09. Review status: criteria provided, single submitter. Criteria: Ambry Variant Classification Scheme 2023. Collection method: clinical testing. Allele origin: germline.
Comment: The p.L733M variant (also known as c.2197T>A), located in coding exon 12 of the BMPR2 gene, results from a T to A substitution at nucleotide position 2197. The leucine at codon 733 is replaced by methionine, an amino acid with highly similar properties. This amino acid position is conserved. In addition, this alteration is predicted to be tolerated by in silico analysis. Based on the available evidence, the clinical significance of this variant remains unclear.